The following is an entry in ClinVar:

ClinVar aggregate classification (germline): Likely benign. Review status: criteria provided, multiple submitters, no conflicts (2 of 4 stars). 3 submissions from 3 submitters: Likely benign (3). Last evaluated 2026-06-24.

Conditions:
Cardiovascular phenotype. Identifiers: MedGen CN230736.
Hypercholesterolemia, autosomal dominant, type B (FHCL2). Also called: APOLIPOPROTEIN B-100, FAMILIAL DEFECTIVE; APOLIPOPROTEIN B-100, FAMILIAL LIGAND-DEFECTIVE; HYPERCHOLESTEROLEMIA, FAMILIAL, DUE TO LIGAND-DEFECTIVE APOLIPOPROTEIN B; Familial Hypercholesterolemia Type B; Hyperlipoproteinemia Type IIb; Familial hypercholesterolemia 2. Identifiers: MedGen C1704417, MONDO:0007751, OMIM 144010.
Familial hypobetalipoproteinemia 1. Also called: APOB-Related Familial Hypobetalipoproteinemia; Hypobetalipoproteinemia, normotriglyceridemic; Acanthocytosis with hypobetalipoproteinemia. Identifiers: MedGen C4551990, MONDO:0014252, OMIM 615558.
Familial hypercholesterolemia. Also called: Familial hypercholesterolemias; Familial hypercholesterolaemia. Identifiers: MedGen C0020445, MONDO:0005439.

Allele frequency attached by ClinVar (database versions not stated): gnomAD exomes 0.00001 and 0.00002; ExAC 0.00002; ESP Exome Variant Server 0.00008.
gnomAD v4.1: 33 of 1,613,742 alleles (0.002%); highest among the groups gnomAD compares: Admixed American, 0.005%; no homozygotes.

Submissions (3):

GENinCode PLC
Classification: Likely benign for Familial hypercholesterolemia. Last evaluated: 2026-06-24. Review status: criteria provided, single submitter. Criteria: ACMG Guidelines, 2015. Collection method: clinical testing. Allele origin: germline.
Comment: This is a synonymous (silent) variant that is not predicted to impact splicing and occurs at a nucleotide which is not highly conserved. This variant has been classified as Likely Benign (BP4, BP7).

Labcorp Genetics (formerly Invitae), Labcorp
Classification: Likely benign for Familial hypobetalipoproteinemia 1; Hypercholesterolemia, autosomal dominant, type B. Last evaluated: 2023-10-13. Review status: criteria provided, single submitter. Criteria: Invitae Variant Classification Sherloc (09022015). Collection method: clinical testing. Allele origin: germline.

Ambry Genetics
Classification: Likely benign for Cardiovascular phenotype. Last evaluated: 2020-01-12. Review status: criteria provided, single submitter. Criteria: Ambry Variant Classification Scheme 2023. Collection method: clinical testing. Allele origin: germline.

NM_000384.3(APOB):c.6906A>T (p.Gly2302=)

Gene: APOB (apolipoprotein B; minus strand). Cytogenetic location: 2p24.1.
Variant type: single nucleotide variant.
Coding change: c.6906A>T on transcript NM_000384.3 (MANE Select); coding-DNA position 6906, A replaced by T.
Protein change: p.Gly2302=; no amino-acid change (glycine 2302 retained).
Molecular consequence: synonymous variant.
Genome position (GRCh38, 1-based): chr2:21,009,962, T>A on the plus strand (A>T on the coding strand, the complement: APOB is on the minus strand). VCF-style: chr2-21009962-T-A. GRCh37 (hg19) VCF-style: chr2-21232834-T-A.
Identifiers: ClinVar variation 918975 (VCV000918975.13), dbSNP rs377125228, ClinGen allele CA063733.
Genomic context (GRCh38, chr2:21,009,962, plus strand): 5'-TATAACAAAGTGTTTGACATGCTCAAGAATGTCATTTATTCTTTCAAATGAAATTGTAGT[T>A]CCCAATTGATCTAAAAGCACTCTAACATCAATAGCCTCAATGTGTTGTTTTAACTTTCCA-3'
Protein context (NP_000375.3, residues 2292-2312): IDVRVLLDQL[Gly2302=]TTISFERIND